The following is an entry in ClinVar:

NM_001042750.2(STAG2):c.1294C>A (p.Leu432Ile)

Gene: STAG2 (STAG2 cohesin complex component; plus strand). Cytogenetic location: Xq25.
Variant type: single nucleotide variant.
Coding change: c.1294C>A on transcript NM_001042750.2 (MANE Select); coding-DNA position 1294, C replaced by A.
Protein change: p.Leu432Ile; replaces leucine 432 with isoleucine.
Molecular consequence: missense variant.
Genome position (GRCh38, 1-based): chrX:124,056,225, C>A. VCF-style: chrX-124056225-C-A. GRCh37 (hg19) VCF-style: chrX-123190075-C-A.
Other names: c.1294C>A, p.Leu432Ile (NM_001042749.2, NM_001042751.2, NM_001282418.2 and 23 more transcripts); short protein forms L432I.
Identifiers: ClinVar variation 4819042 (VCV004819042.1).

ClinVar aggregate classification (germline): Uncertain significance (1 of 4 stars; one submission).

Conditions:
Mullegama-Klein-Martinez syndrome. Also called: NEURODEVELOPMENTAL DISORDER, X-LINKED, WITH CRANIOFACIAL ABNORMALITIES. Identifiers: MedGen C5193008, MONDO:0026722, OMIM 301022.

Submission:

Victorian Clinical Genetics Services, Murdoch Childrens Research Institute
Classification: Uncertain significance for Mullegama-Klein-Martinez syndrome. Last evaluated: 2025-12-11. Review status: criteria provided, single submitter. Criteria: ACMG Guidelines, 2015. Collection method: clinical testing. Allele origin: germline. Affected: yes.
Comment: This variant is classified as VUS-3A. Evidence in support of pathogenic classification: Variant is absent from gnomAD (v2, v3 and v4); Evidence in support of benign classification: Missense variant predicted to be tolerated by in silico tool(s) or not conserved in placental mammals with a minor amino acid change. Additional information: Variant is predicted to result in a missense amino acid change from Leu to Ile; This variant is heterozygous; This gene is associated with X-linked disease. Affected males with hemizygous missense variants have been reported with milder disease (OMIM). Affected females with heterozygous variants are commonly reported with variants resulting in a premature termination codon, but have also been reported with missense and splice site variants (PMIDs: 30158690, 31334757); This variant has no previous evidence of pathogenicity; No published evidence of segregation with disease has been identified for this variant; No published functional evidence has been identified for this variant; No comparable missense variants have previous evidence for pathogenicity; Variant is not located in an established domain, motif, hotspot or informative constraint region.

Literature cited by the submitters: PubMed 30158690; PubMed 31334757.